The following is an entry in ClinVar:

NM_002496.4(NDUFS8):c.185C>G (p.Thr62Ser)

Gene: NDUFS8 (NADH:ubiquinone oxidoreductase core subunit S8; plus strand). Cytogenetic location: 11q13.2.
Variant type: single nucleotide variant.
Coding change: c.185C>G on transcript NM_002496.4 (MANE Select); coding-DNA position 185, C replaced by G.
Protein change: p.Thr62Ser; replaces threonine 62 with serine.
Molecular consequence: missense variant.
Genome position (GRCh38, 1-based): chr11:68,032,998, C>G. VCF-style: chr11-68032998-C-G. GRCh37 (hg19) VCF-style: chr11-67800465-C-G.
Other names: short protein forms T62S.
Identifiers: ClinVar variation 2074757 (VCV002074757.1), dbSNP rs1286021407, ClinGen allele CA381599283.

ClinVar aggregate classification (germline): Uncertain significance (1 of 4 stars; one submission).

Allele frequency attached by ClinVar (database versions not stated): TOPMed below 0.00001.

Submission:

Labcorp Genetics (formerly Invitae), Labcorp
Classification: Uncertain significance. Last evaluated: 2022-07-01. Review status: criteria provided, single submitter. Criteria: Invitae Variant Classification Sherloc (09022015). Collection method: clinical testing. Allele origin: germline.
Comment: This sequence change replaces threonine, which is neutral and polar, with serine, which is neutral and polar, at codon 62 of the NDUFS8 protein (p.Thr62Ser). This variant is present in population databases (no rsID available, gnomAD 0.006%). This variant has not been reported in the literature in individuals affected with NDUFS8-related conditions. Algorithms developed to predict the effect of missense changes on protein structure and function (SIFT, PolyPhen-2, Align-GVGD) all suggest that this variant is likely to be tolerated. Algorithms developed to predict the effect of sequence changes on RNA splicing suggest that this variant may create or strengthen a splice site. In summary, the available evidence is currently insufficient to determine the role of this variant in disease. Therefore, it has been classified as a Variant of Uncertain Significance.